The following is an entry in ClinVar:

NM_000147.5(FUCA1):c.29C>G (p.Pro10Arg)

Gene: FUCA1 (alpha-L-fucosidase 1; minus strand). Cytogenetic location: 1p36.11.
Variant type: single nucleotide variant.
Coding change: c.29C>G on transcript NM_000147.5 (MANE Select); coding-DNA position 29, C replaced by G.
Protein change: p.Pro10Arg; replaces proline 10 with arginine.
Molecular consequence: missense variant.
Genome position (GRCh38, 1-based): chr1:23,868,258, G>C on the plus strand (C>G on the coding strand, the complement: FUCA1 is on the minus strand). VCF-style: chr1-23868258-G-C. GRCh37 (hg19) VCF-style: chr1-24194748-G-C.
Other names: short protein forms P10R.
Identifiers: ClinVar variation 193053 (VCV000193053.24), dbSNP rs2070956, ClinGen allele CA200286.

ClinVar aggregate classification (germline): Benign. Review status: criteria provided, multiple submitters, no conflicts (2 of 4 stars). 7 submissions from 7 submitters: Benign (6). 1 of the submissions does not count toward it. Last evaluated 2026-02-04.

Conditions:
Fucosidosis. Also called: ALPHA-L-FUCOSIDASE DEFICIENCY. Identifiers: Orphanet 349, MedGen C0016788, MONDO:0009254, OMIM 230000.

Allele frequency attached by ClinVar (database versions not stated): TOPMed 0.11313; 1000 Genomes Project 30x 0.14257; 1000 Genomes Project 0.14297.
gnomAD v4.1: 157,541 of 1,556,742 alleles (10%); highest among the groups gnomAD compares: East Asian, 18%; 8,542 homozygotes.

Submissions (7):

Labcorp Genetics (formerly Invitae), Labcorp
Classification: Benign for Fucosidosis. Last evaluated: 2026-02-04. Review status: criteria provided, single submitter. Criteria: Invitae Variant Classification Sherloc (09022015). Collection method: clinical testing. Allele origin: germline.

GeneDx
Classification: Benign. Last evaluated: 2018-06-13. Review status: criteria provided, single submitter. Criteria: GeneDx Variant Classification (06012015). Collection method: clinical testing. Allele origin: germline. Affected: yes.
Comment: This variant is considered likely benign or benign based on one or more of the following criteria: it is a conservative change, it occurs at a poorly conserved position in the protein, it is predicted to be benign by multiple in silico algorithms, and/or has population frequency not consistent with disease.

Illumina Laboratory Services, Illumina
Classification: Benign for Fucosidosis. Last evaluated: 2018-03-06. Review status: criteria provided, single submitter. Criteria: ICSL Variant Classification Criteria 13 December 2019. Collection method: clinical testing. Allele origin: germline.
Comment: This variant was observed in the ICSL laboratory as part of a predisposition screen in an ostensibly healthy population. It had not been previously curated by ICSL or reported in the Human Gene Mutation Database (HGMD: prior to June 1st, 2018), and was therefore a candidate for classification through an automated scoring system. Utilizing variant allele frequency, disease prevalence and penetrance estimates, and inheritance mode, an automated score was calculated to assess if this variant is too frequent to cause the disease. Based on the score and internal cut-off values, a variant classified as benign is not then subjected to further curation. The score for this variant resulted in a classification of benign for this disease.

Laboratory for Molecular Medicine, Mass General Brigham Personalized Medicine
Classification: Benign. Last evaluated: 2016-03-28. Review status: criteria provided, single submitter. Criteria: LMM Criteria. Collection method: clinical testing. Allele origin: germline.
Comment: Variant identified in a genome or exome case(s) and assessed due to predicted null impact of the variant or pathogenic assertions in the literature or databases. Disclaimer: This variant has not undergone full assessment. The following are preliminary notes: Frequency in 1000Genomes: 268/2178=12.3%

Eurofins Ntd Llc (ga)
Classification: Benign. Last evaluated: 2014-06-26. Review status: criteria provided, single submitter. Criteria: EGL Classification Definitions 2015. Collection method: clinical testing. Allele origin: germline. Observed: 1 variant allele, 1 heterozygote.

Breakthrough Genomics
Classification: Benign. Review status: criteria provided, single submitter. Criteria: ACMG Guidelines, 2015. Collection method: not provided. Allele origin: germline. Inheritance: Autosomal recessive inheritance. Affected: yes.

Mayo Clinic Laboratories, Mayo Clinic
Classification: Uncertain significance. Last evaluated: 2015-12-16. Review status: no assertion criteria provided. Collection method: clinical testing. Allele origin: unknown. Not counted in ClinVar's aggregate classification.